The following is an entry in ClinVar:

ClinVar aggregate classification (germline): Conflicting classifications of pathogenicity. Review status: criteria provided, conflicting classifications (1 of 4 stars). 3 submissions from 3 submitters: Likely pathogenic (1); Uncertain significance (2). Last evaluated 2026-01-26.

Conditions:
Cardiovascular phenotype. Identifiers: MedGen CN230736.
APOA5-related disorder. Also called: APOA5-related condition.

Allele frequency attached by ClinVar (database versions not stated): ExAC 0.00002; gnomAD 0.00002; TOPMed 0.00002.
gnomAD v4.1: 15 of 1,602,904 alleles (0.00094%); highest among the groups gnomAD compares: Admixed American, 0.023%; no homozygotes.

Submissions (3):

PreventionGenetics, part of Exact Sciences
Classification: Likely pathogenic for APOA5-related condition. Last evaluated: 2026-01-26. Review status: criteria provided, single submitter. Criteria: ACMG Guidelines, 2015. Collection method: clinical testing. Allele origin: germline.
Comment: The APOA5 c.758T>C variant is predicted to result in the amino acid substitution p.Leu253Pro. This variant has been reported in the compound heterozygous and homozygous states in two individuals with severe hypertriglyceridemia (Pisciotta et al 2011. PubMed ID: 21846464; Mendoza-Barberá et al 2013. PubMed ID: 23307945) and in the heterozygous state along with a premature termination variant with unknown phase in an individual with familial chylomicronemia (Ariza et al 2018. PubMed ID: 30150141). Family members heterozygous for this variant without a second potentially pathogenic variant were found to have moderate to severe hypertriglyceridemia (Pisciotta et al 2011. PubMed ID: 21846464), and functional studies have shown this variant impairs lipid binding and fails to stimulate LPL activity (Mendoza-Barberá et al 2013. PubMed ID: 23307945). This variant is reported in 0.031% of alleles in individuals of Latino descent in gnomAD. This variant is interpreted as likely pathogenic.

Labcorp Genetics (formerly Invitae), Labcorp
Classification: Uncertain significance. Last evaluated: 2026-01-04. Review status: criteria provided, single submitter. Criteria: Invitae Variant Classification Sherloc (09022015). Collection method: clinical testing. Allele origin: germline.
Comment: This sequence change replaces leucine, which is neutral and non-polar, with proline, which is neutral and non-polar, at codon 253 of the APOA5 protein (p.Leu253Pro). This variant is present in population databases (rs781206581, gnomAD 0.03%). This missense change has been observed in individuals with autosomal recessive chylomicronemia (PMID: 23307945, 27578109, 29748148, 30150141, 32041611, 36325899). This variant has been reported in individual(s) with autosomal dominant chylomicronemia (PMID: 21846464, 24788417); however, the role of the variant in this condition is currently unclear. ClinVar contains an entry for this variant (Variation ID: 1759656). An algorithm developed to predict the effect of missense changes on protein structure and function (PolyPhen-2) suggests that this variant is likely to be disruptive. Experimental studies have shown that this missense change affects APOA5 function (PMID: 23307945). In summary, the available evidence is currently insufficient to determine the role of this variant in disease. Therefore, it has been classified as a Variant of Uncertain Significance.

Ambry Genetics
Classification: Uncertain significance for Cardiovascular phenotype. Last evaluated: 2021-11-16. Review status: criteria provided, single submitter. Criteria: Ambry Variant Classification Scheme 2023. Collection method: clinical testing. Allele origin: germline.
Comment: The p.L253P variant (also known as c.758T>C), located in coding exon 3 of the APOA5 gene, results from a T to C substitution at nucleotide position 758. The leucine at codon 253 is replaced by proline, an amino acid with similar properties. This alteration has been reported as homozygous in individuals with high triglyceride levels (Mart&iacute;n-Campos JM et al. Clin Chim Acta, 2014 Feb;429:61-8; De Castro-Or&oacute;s I et al. J Clin Lipidol 2016 Feb;10:790-797). Additionally, this alteration has been reported in an individual with high triglyceride levels and recurrent pancreatitis, having an additional alteration in APOA5 identified with phase unknown (Ariza MJ et al. J Clin Lipidol Aug;12:1482-1492.e3). Finally, this alteration was detected in an individual with high triglyceride levels without an additional causative alteration in APOA5 identified (Pisciotta L et al. Clin Chim Acta, 2011 Nov;412:2194-8). This amino acid position is highly conserved in available vertebrate species. In addition, this alteration is predicted to be deleterious by in silico analysis. Since supporting evidence is limited at this time, the clinical significance of this alteration remains unclear.

Literature cited by the submitters: PubMed 23307945 (cited by Labcorp Genetics (formerly Invitae), Labcorp); PubMed 27578109 (cited by Labcorp Genetics (formerly Invitae), Labcorp and Ambry Genetics); PubMed 29748148 (cited by Labcorp Genetics (formerly Invitae), Labcorp); PubMed 30150141 (cited by Labcorp Genetics (formerly Invitae), Labcorp and Ambry Genetics); PubMed 32041611 (cited by Labcorp Genetics (formerly Invitae), Labcorp); PubMed 36325899 (cited by Labcorp Genetics (formerly Invitae), Labcorp); PubMed 21846464 (cited by Labcorp Genetics (formerly Invitae), Labcorp and Ambry Genetics); PubMed 24788417 (cited by Labcorp Genetics (formerly Invitae), Labcorp); PubMed 24291057 (cited by Ambry Genetics).

NM_001371904.1(APOA5):c.758T>C (p.Leu253Pro)

Gene: APOA5 (apolipoprotein A5; minus strand). Cytogenetic location: 11q23.3.
Variant type: single nucleotide variant.
Coding change: c.758T>C on transcript NM_001371904.1 (MANE Select); coding-DNA position 758, T replaced by C.
Protein change: p.Leu253Pro; replaces leucine 253 with proline.
Molecular consequence: missense variant.
Genome position (GRCh38, 1-based): chr11:116,790,471, A>G on the plus strand (T>C on the coding strand, the complement: APOA5 is on the minus strand). VCF-style: chr11-116790471-A-G. GRCh37 (hg19) VCF-style: chr11-116661187-A-G.
Other names: c.758T>C, p.Leu253Pro (NM_001166598.2, NM_052968.5); short protein forms L253P.
Identifiers: ClinVar variation 1759656 (VCV001759656.4), dbSNP rs781206581, ClinGen allele CA6289001.